The following is an entry in ClinVar:

NM_001365536.1(SCN9A):c.950T>C (p.Phe317Ser)

Genes: SCN9A (sodium voltage-gated channel alpha subunit 9; minus strand), SCN1A-AS1 (SCN1A and SCN9A antisense RNA 1; plus strand). Cytogenetic location: 2q24.3.
Variant type: single nucleotide variant.
Coding change: c.950T>C on transcript NM_001365536.1 (MANE Select); coding-DNA position 950, T replaced by C.
Protein change: p.Phe317Ser; replaces phenylalanine 317 with serine.
Molecular consequence: missense variant. On other transcripts: non-coding transcript variant (1).
Genome position (GRCh38, 1-based): chr2:166,294,614, A>G on the plus strand (T>C on the coding strand, the complement: SCN9A is on the minus strand). VCF-style: chr2-166294614-A-G. GRCh37 (hg19) VCF-style: chr2-167151124-A-G.
Other names: c.950T>C, p.Phe317Ser (NM_002977.4); short protein forms F317S.
Identifiers: ClinVar variation 966935 (VCV000966935.9), dbSNP rs1042253518, ClinGen allele CA59807202.

ClinVar aggregate classification (germline): Uncertain significance. Review status: criteria provided, multiple submitters, no conflicts (2 of 4 stars). 2 submissions from 2 submitters: Uncertain significance (2). Last evaluated 2025-03-25.

Conditions:
Generalized epilepsy with febrile seizures plus, type 7 (GEFSP7). Also called: GEFS+, TYPE 7. Identifiers: Orphanet 36387, MedGen C2751778, MONDO:0013470, OMIM 613863.
Neuropathy, hereditary sensory and autonomic, type 2A (HSAN2A). Also called: MORVAN DISEASE; NEUROPATHY, CONGENITAL SENSORY; NEUROPATHY, HEREDITARY SENSORY RADICULAR, AUTOSOMAL RECESSIVE; NEUROPATHY, HEREDITARY SENSORY, TYPE IIA; NEUROPATHY, PROGRESSIVE SENSORY, OF CHILDREN; ACROOSTEOLYSIS, GIACCAI TYPE. Identifiers: Orphanet 970, MedGen C2752089, MONDO:0024309, OMIM 201300.
Inborn genetic diseases. Identifiers: MedGen C0950123, MeSH D030342.

Allele frequency attached by ClinVar (database versions not stated): gnomAD exomes below 0.00001; gnomAD 0.00001; TOPMed 0.00001.
gnomAD v4.1: 3 of 1,610,876 alleles (0.00019%); highest among the groups gnomAD compares: African/African-American, 0.004%; no homozygotes.

Submissions (2):

Ambry Genetics
Classification: Uncertain significance for Inborn genetic diseases. Last evaluated: 2025-03-25. Review status: criteria provided, single submitter. Criteria: Ambry Variant Classification Scheme 2023. Collection method: clinical testing. Allele origin: germline.

Labcorp Genetics (formerly Invitae), Labcorp
Classification: Uncertain significance for Neuropathy, hereditary sensory and autonomic, type 2A; Generalized epilepsy with febrile seizures plus, type 7. Last evaluated: 2025-03-03. Review status: criteria provided, single submitter. Criteria: Invitae Variant Classification Sherloc (09022015). Collection method: clinical testing. Allele origin: germline.
Comment: This sequence change replaces phenylalanine, which is neutral and non-polar, with serine, which is neutral and polar, at codon 317 of the SCN9A protein (p.Phe317Ser). This variant is present in population databases (no rsID available, gnomAD 0.007%). This variant has not been reported in the literature in individuals affected with SCN9A-related conditions. ClinVar contains an entry for this variant (Variation ID: 966935). Invitae Evidence Modeling of protein sequence and biophysical properties (such as structural, functional, and spatial information, amino acid conservation, physicochemical variation, residue mobility, and thermodynamic stability) indicates that this missense variant is not expected to disrupt SCN9A protein function with a negative predictive value of 95%. In summary, the available evidence is currently insufficient to determine the role of this variant in disease. Therefore, it has been classified as a Variant of Uncertain Significance.